The following is an entry in ClinVar:

ClinVar aggregate classification (germline): Uncertain significance (1 of 4 stars; one submission).

Conditions:
Autoimmune interstitial lung disease-arthritis syndrome. Also called: Autoinflammation and autoimmunity, systemic, with immune dysregulation. Identifiers: Orphanet 444092, MedGen C5975714, MONDO:0014629.

gnomAD v4.1: 2 of 1,613,158 alleles (0.00012%); highest among the groups gnomAD compares: Admixed American, 0.0017%; no homozygotes.

Submission:

Labcorp Genetics (formerly Invitae), Labcorp
Classification: Uncertain significance for Autoimmune interstitial lung disease-arthritis syndrome. Last evaluated: 2026-01-06. Review status: criteria provided, single submitter. Criteria: Invitae Variant Classification Sherloc (09022015). Collection method: clinical testing. Allele origin: germline.
Comment: This sequence change falls in intron 31 of the COPA gene. It does not directly change the encoded amino acid sequence of the COPA protein. It affects a nucleotide within the consensus splice site. This variant is not present in population databases (gnomAD no frequency). This variant has not been reported in the literature in individuals affected with COPA-related conditions. Variants that disrupt the consensus splice site are a relatively common cause of aberrant splicing (PMID: 17576681, 9536098). Algorithms developed to predict the effect of sequence changes on RNA splicing suggest that this variant is not likely to affect RNA splicing. In summary, the available evidence is currently insufficient to determine the role of this variant in disease. Therefore, it has been classified as a Variant of Uncertain Significance.

Literature cited by the submitters: PubMed 17576681; PubMed 9536098.

NM_004371.4(COPA):c.3420+5A>C

Gene: COPA (coat protein complex I subunit alpha; minus strand). Cytogenetic location: 1q23.2.
Variant type: single nucleotide variant.
Coding change: c.3420+5A>C on transcript NM_004371.4 (MANE Select); 5 bases into the intron after coding-DNA position 3420, A replaced by C.
Molecular consequence: intron variant.
Genome position (GRCh38, 1-based): chr1:160,291,330, T>G on the plus strand (A>C on the coding strand, the complement: COPA is on the minus strand). VCF-style: chr1-160291330-T-G. GRCh37 (hg19) VCF-style: chr1-160261120-T-G.
Other names: c.3447+5A>C (NM_001098398.2).
Identifiers: ClinVar variation 4763673 (VCV004763673.1).
Genomic context (GRCh38, chr1:160,291,330, plus strand): 5'-GGTCTGCTCCCTCCATGTAAGAGCTGATCTGGCTTCCCTATGGTCACTGAAGGAGTTCCA[T>G]CTACCTGTTGGGCCACCTCAGGCTTGGGCCCGAGTTCTAGTAGGCGCCGAGCAAAGGTGG-3'